The following is an entry in ClinVar:

NM_001008537.3(NEXMIF):c.2120C>T (p.Thr707Ile)

Gene: NEXMIF (neurite extension and migration factor; minus strand). Cytogenetic location: Xq13.3.
Variant type: single nucleotide variant.
Coding change: c.2120C>T on transcript NM_001008537.3 (MANE Select); coding-DNA position 2120, C replaced by T.
Protein change: p.Thr707Ile; replaces threonine 707 with isoleucine.
Molecular consequence: missense variant.
Genome position (GRCh38, 1-based): chrX:74,742,437, G>A on the plus strand (C>T on the coding strand, the complement: NEXMIF is on the minus strand). VCF-style: chrX-74742437-G-A. GRCh37 (hg19) VCF-style: chrX-73962272-G-A.
Other names: short protein forms T707I.
Identifiers: ClinVar variation 3687849 (VCV003687849.2).

ClinVar aggregate classification (germline): Uncertain significance (1 of 4 stars; one submission).

Submission:

Labcorp Genetics (formerly Invitae), Labcorp
Classification: Uncertain significance. Last evaluated: 2024-10-24. Review status: criteria provided, single submitter. Criteria: Invitae Variant Classification Sherloc (09022015). Collection method: clinical testing. Allele origin: germline.
Comment: This sequence change replaces threonine, which is neutral and polar, with isoleucine, which is neutral and non-polar, at codon 707 of the NEXMIF protein (p.Thr707Ile). This variant is not present in population databases (gnomAD no frequency). This variant has not been reported in the literature in individuals affected with NEXMIF-related conditions. An algorithm developed to predict the effect of missense changes on protein structure and function outputs the following: PolyPhen-2: "Benign". The isoleucine amino acid residue is found in multiple mammalian species, which suggests that this missense change does not adversely affect protein function. In summary, the available evidence is currently insufficient to determine the role of this variant in disease. Therefore, it has been classified as a Variant of Uncertain Significance.